The following is an entry in ClinVar:

ClinVar aggregate classification (germline): Uncertain significance (1 of 4 stars; one submission).

gnomAD v4.1: 1 of 1,614,154 alleles (0.000062%); no homozygotes.

Submission:

GeneDx
Classification: Uncertain significance. Last evaluated: 2023-01-16. Review status: criteria provided, single submitter. Criteria: GeneDx Variant Classification Process June 2021. Collection method: clinical testing. Allele origin: germline. Affected: yes.
Comment: Not observed at significant frequency in large population cohorts (gnomAD); In silico analysis supports that this missense variant has a deleterious effect on protein structure/function; Has not been previously published as pathogenic or benign to our knowledge

NM_018026.4(PACS1):c.1244T>C (p.Ile415Thr)

Gene: PACS1 (phosphofurin acidic cluster sorting protein 1; plus strand). Cytogenetic location: 11q13.2.
Variant type: single nucleotide variant.
Coding change: c.1244T>C on transcript NM_018026.4 (MANE Select); coding-DNA position 1244, T replaced by C.
Protein change: p.Ile415Thr; replaces isoleucine 415 with threonine.
Molecular consequence: missense variant.
Genome position (GRCh38, 1-based): chr11:66,221,198, T>C. VCF-style: chr11-66221198-T-C. GRCh37 (hg19) VCF-style: chr11-65988669-T-C.
Other names: short protein forms I415T.
Identifiers: ClinVar variation 2572768 (VCV002572768.1), dbSNP rs2495562554, ClinGen allele CA381359895.
Genomic context (GRCh38, chr11:66,221,198, plus strand): 5'-GTGCTCTTCACCACAGGCCTTTCTTTGAGGGGATGTCGCAGTCCAGCTCCCAGACGGAGA[T>C]TGGCAGCCTCAACAGCAAAGGCAGCCTCGGAAAAGACACCACCAGCCCTGTGAGCGCAAC-3'
Protein context (NP_060496.2, residues 405-425): GMSQSSSQTE[Ile415Thr]GSLNSKGSLG